The following is an entry in ClinVar:

NM_002929.3(GRK1):c.1184G>A (p.Arg395His)

Gene: GRK1 (G protein-coupled receptor kinase 1; plus strand). Cytogenetic location: 13q34.
Variant type: single nucleotide variant.
Coding change: c.1184G>A on transcript NM_002929.3 (MANE Select); coding-DNA position 1184, G replaced by A.
Protein change: p.Arg395His; replaces arginine 395 with histidine.
Molecular consequence: missense variant.
Genome position (GRCh38, 1-based): chr13:113,731,333, G>A. VCF-style: chr13-113731333-G-A. GRCh37 (hg19) VCF-style: chr13-114434306-G-A.
Other names: c.1184G>A (NM_002929.2); short protein forms R395H.
Identifiers: ClinVar variation 4920757 (VCV004920757.2).

ClinVar aggregate classification (germline): Uncertain significance. Review status: criteria provided, multiple submitters, no conflicts (2 of 4 stars). 2 submissions from 2 submitters: Uncertain significance (2). Last evaluated 2026-08-20.

Conditions:
GRK1-related disorder. Also called: GRK1-related condition.

gnomAD v4.1: 216 of 1,536,890 alleles (0.014%); highest among the groups gnomAD compares: East Asian, 0.12%; no homozygotes.

Submissions (2):

PreventionGenetics, part of Exact Sciences
Classification: Uncertain significance for GRK1-related condition. Last evaluated: 2026-08-20. Review status: criteria provided, single submitter. Criteria: ACMG Guidelines, 2015. Collection method: clinical testing. Allele origin: germline.
Comment: The GRK1 c.1184G>A variant is predicted to result in the amino acid substitution p.Arg395His. This variant was reported in an individual with retinitis pigmentosa (Table S2, Gao et al. 2019. PubMed ID: 31054281). However, this variant is reported in 0.17% of alleles in individuals of East Asian descent in gnomAD, which may be too frequent to be a primary cause of disease. Although we suspect that this variant may be benign, the clinical significance of this variant is currently classified as uncertain due to the absence of conclusive functional and genetic evidence.

Blueprint Genetics
Classification: Uncertain significance. Last evaluated: 2024-06-17. Review status: criteria provided, single submitter. Criteria: ACMG Guidelines, 2015. Collection method: clinical testing. Allele origin: germline.